The following is an entry in ClinVar:

NM_000038.6(APC):c.970A>G (p.Thr324Ala)

Gene: APC (APC regulator of Wnt signaling pathway; plus strand). Cytogenetic location: 5q22.2.
Variant type: single nucleotide variant.
Coding change: c.970A>G on transcript NM_000038.6 (MANE Select); coding-DNA position 970, A replaced by G.
Protein change: p.Thr324Ala; replaces threonine 324 with alanine.
Molecular consequence: missense variant. On other transcripts: intron variant (4).
Genome position (GRCh38, 1-based): chr5:112,819,002, A>G. VCF-style: chr5-112819002-A-G. GRCh37 (hg19) VCF-style: chr5-112154699-A-G.
Other names: c.970A>G, p.Thr324Ala (NM_001127510.3, NM_001354895.2, NM_001354896.2); c.916A>G, p.Thr306Ala (NM_001127511.3); c.1000A>G, p.Thr334Ala (NM_001354897.2); c.895A>G, p.Thr299Ala (NM_001354898.2); c.886A>G, p.Thr296Ala (NM_001354899.2); c.793A>G, p.Thr265Ala (NM_001354900.2, NM_001354901.2); c.121A>G, p.Thr41Ala (NM_001354906.2); c.964-267A>G (NM_001354902.2); and 3 more; short protein forms T334A, T265A, T299A, T324A, T41A, T296A, T306A.
Identifiers: ClinVar variation 967686 (VCV000967686.14), dbSNP rs1762807832, ClinGen allele CA16023432.

ClinVar aggregate classification (germline): Uncertain significance. Review status: criteria provided, multiple submitters, no conflicts (2 of 4 stars). 2 submissions from 2 submitters: Uncertain significance (2). Last evaluated 2025-05-19.

Conditions:
Hereditary cancer-predisposing syndrome. Also called: Hereditary neoplastic syndrome; Neoplastic Syndromes, Hereditary; Hereditary Cancer Syndrome; Tumor predisposition. Identifiers: Orphanet 140162, MedGen C0027672, MeSH D009386, MONDO:0015356.
Familial adenomatous polyposis 1 (FAP1). Also called: POLYPOSIS, ADENOMATOUS INTESTINAL; FAMILIAL ADENOMATOUS POLYPOSIS 1, ATTENUATED. Identifiers: MedGen C2713442, MONDO:0021056, OMIM 175100. Disease mechanism: loss of function.

Submissions (2):

Labcorp Genetics (formerly Invitae), Labcorp
Classification: Uncertain significance for Familial adenomatous polyposis 1. Last evaluated: 2025-05-19. Review status: criteria provided, single submitter. Criteria: Invitae Variant Classification Sherloc (09022015). Collection method: clinical testing. Allele origin: germline.
Comment: This sequence change replaces threonine, which is neutral and polar, with alanine, which is neutral and non-polar, at codon 324 of the APC protein (p.Thr324Ala). This variant is not present in population databases (gnomAD no frequency). This variant has not been reported in the literature in individuals affected with APC-related conditions. ClinVar contains an entry for this variant (Variation ID: 967686). Invitae Evidence Modeling of protein sequence and biophysical properties (such as structural, functional, and spatial information, amino acid conservation, physicochemical variation, residue mobility, and thermodynamic stability) indicates that this missense variant is not expected to disrupt APC protein function with a negative predictive value of 95%. In summary, the available evidence is currently insufficient to determine the role of this variant in disease. Therefore, it has been classified as a Variant of Uncertain Significance.

Ambry Genetics
Classification: Uncertain significance for Hereditary cancer-predisposing syndrome. Last evaluated: 2024-12-19. Review status: criteria provided, single submitter. Criteria: Ambry Variant Classification Scheme 2023. Collection method: clinical testing. Allele origin: germline.
Comment: The p.T324A variant (also known as c.970A>G), located in coding exon 9 of the APC gene, results from an A to G substitution at nucleotide position 970. The threonine at codon 324 is replaced by alanine, an amino acid with similar properties. This variant was reported in individual(s) with features consistent with APC-related familial adenomatous polyposis (Ambry internal data). This amino acid position is highly conserved in available vertebrate species. In addition, in silico predictors for this gene do not accurately predict pathogenicity. Missense alterations in APC are not a common cause of disease (Spier I et al. Genet Med. 2024 Feb;26(2):100992). Based on the available evidence, the clinical significance of this variant remains unclear.